The following is an entry in ClinVar:

ClinVar aggregate classification (germline): Uncertain significance. Review status: criteria provided, multiple submitters, no conflicts (2 of 4 stars). 3 submissions from 3 submitters: Uncertain significance (3). Last evaluated 2026-04-15.

Conditions:
Inborn genetic diseases. Identifiers: MedGen C0950123, MeSH D030342.

Allele frequency attached by ClinVar (database versions not stated): gnomAD exomes below 0.00001.
gnomAD v4.1: 1 of 1,562,114 alleles (0.000064%); highest among the groups gnomAD compares: Non-Finnish European, 0.000087%; no homozygotes.

Submissions (3):

Ambry Genetics
Classification: Uncertain significance for Inborn genetic diseases. Last evaluated: 2026-04-15. Review status: criteria provided, single submitter. Criteria: Ambry Variant Classification Scheme 2023. Collection method: clinical testing. Allele origin: germline.
Comment: The c.694G>A (p.G232R) alteration is located in exon 14 (coding exon 14) of the COL9A3 gene. This alteration results from a G to A substitution at nucleotide position 694, causing the glycine (G) at amino acid position 232 to be replaced by an arginine (R). Based on data from gnomAD, the A allele has an overall frequency of <0.001% (0/169616) total alleles studied. The highest observed frequency was <0.001% (/) of alleles. Based on insufficient or conflicting evidence, the clinical significance of this alteration remains unclear.

Labcorp Genetics (formerly Invitae), Labcorp
Classification: Uncertain significance. Last evaluated: 2025-12-20. Review status: criteria provided, single submitter. Criteria: Invitae Variant Classification Sherloc (09022015). Collection method: clinical testing. Allele origin: germline.
Comment: This sequence change replaces glycine, which is neutral and non-polar, with arginine, which is basic and polar, at codon 232 of the COL9A3 protein (p.Gly232Arg). This variant is not present in population databases (gnomAD no frequency). This variant has not been reported in the literature in individuals affected with COL9A3-related conditions. ClinVar contains an entry for this variant (Variation ID: 1306693). Invitae Evidence Modeling of protein sequence and biophysical properties (such as structural, functional, and spatial information, amino acid conservation, physicochemical variation, residue mobility, and thermodynamic stability) indicates that this missense variant is expected to disrupt COL9A3 protein function with a positive predictive value of 95%. In summary, the available evidence is currently insufficient to determine the role of this variant in disease. Therefore, it has been classified as a Variant of Uncertain Significance.

GeneDx
Classification: Uncertain significance. Last evaluated: 2019-06-25. Review status: criteria provided, single submitter. Criteria: GeneDx Variant Classification Process June 2021. Collection method: clinical testing. Allele origin: germline. Affected: yes.
Comment: Has not been previously published as pathogenic or benign to our knowledge; Not observed in large population cohorts (Lek et al., 2016); In silico analysis, which includes protein predictors and evolutionary conservation, supports a deleterious effect

NM_001853.4(COL9A3):c.694G>A (p.Gly232Arg)

Gene: COL9A3 (collagen type IX alpha 3 chain; plus strand). Cytogenetic location: 20q13.33.
Variant type: single nucleotide variant.
Coding change: c.694G>A on transcript NM_001853.4 (MANE Select); coding-DNA position 694, G replaced by A.
Protein change: p.Gly232Arg; replaces glycine 232 with arginine.
Molecular consequence: missense variant.
Genome position (GRCh38, 1-based): chr20:62,826,213, G>A. VCF-style: chr20-62826213-G-A. GRCh37 (hg19) VCF-style: chr20-61457565-G-A.
Other names: short protein forms G232R.
Identifiers: ClinVar variation 1306693 (VCV001306693.7), dbSNP rs866460739, ClinGen allele CA409591860.